The following is an entry in ClinVar:

NM_001363711.2(DUOX2):c.2690A>C (p.Lys897Thr)

Gene: DUOX2 (dual oxidase 2; minus strand). Cytogenetic location: 15q21.1.
Variant type: single nucleotide variant.
Coding change: c.2690A>C on transcript NM_001363711.2 (MANE Select); coding-DNA position 2690, A replaced by C.
Protein change: p.Lys897Thr; replaces lysine 897 with threonine.
Molecular consequence: missense variant.
Genome position (GRCh38, 1-based): chr15:45,101,954, T>G on the plus strand (A>C on the coding strand, the complement: DUOX2 is on the minus strand). VCF-style: chr15-45101954-T-G. GRCh37 (hg19) VCF-style: chr15-45394152-T-G.
Other names: c.2690A>C, p.Lys897Thr (NM_014080.5); short protein forms K897T.
Identifiers: ClinVar variation 3640201 (VCV003640201.2).

ClinVar aggregate classification (germline): Uncertain significance (1 of 4 stars; one submission).

gnomAD v4.1: 1 of 1,614,068 alleles (0.000062%); highest among the groups gnomAD compares: Admixed American, 0.0017%; no homozygotes.

Submission:

Labcorp Genetics (formerly Invitae), Labcorp
Classification: Uncertain significance. Last evaluated: 2025-06-05. Review status: criteria provided, single submitter. Criteria: Invitae Variant Classification Sherloc (09022015). Collection method: clinical testing. Allele origin: germline.
Comment: This sequence change replaces lysine, which is basic and polar, with threonine, which is neutral and polar, at codon 897 of the DUOX2 protein (p.Lys897Thr). This variant is not present in population databases (gnomAD no frequency). This variant has not been reported in the literature in individuals affected with DUOX2-related conditions. ClinVar contains an entry for this variant (Variation ID: 3640201). Invitae Evidence Modeling of protein sequence and biophysical properties (such as structural, functional, and spatial information, amino acid conservation, physicochemical variation, residue mobility, and thermodynamic stability) indicates that this missense variant is not expected to disrupt DUOX2 protein function with a negative predictive value of 80%. In summary, the available evidence is currently insufficient to determine the role of this variant in disease. Therefore, it has been classified as a Variant of Uncertain Significance.